The following is an entry in ClinVar:

ClinVar aggregate classification (germline): Uncertain significance. Review status: criteria provided, multiple submitters, no conflicts (2 of 4 stars). 2 submissions from 2 submitters: Uncertain significance (2). Last evaluated 2025-09-24.

Conditions:
Familial focal epilepsy with variable foci (FPEVF). Identifiers: Orphanet 98820, MedGen C1858477, MONDO:0020310.
Inborn genetic diseases. Identifiers: MedGen C0950123, MeSH D030342.

Submissions (2):

Labcorp Genetics (formerly Invitae), Labcorp
Classification: Uncertain significance for Familial focal epilepsy with variable foci. Last evaluated: 2025-09-24. Review status: criteria provided, single submitter. Criteria: Invitae Variant Classification Sherloc (09022015). Collection method: clinical testing. Allele origin: germline.
Comment: This sequence change replaces aspartic acid, which is acidic and polar, with glycine, which is neutral and non-polar, at codon 523 of the DEPDC5 protein (p.Asp523Gly). This variant is not present in population databases (gnomAD no frequency). This variant has not been reported in the literature in individuals affected with DEPDC5-related conditions. ClinVar contains an entry for this variant (Variation ID: 3839529). Experimental studies and prediction algorithms are not available or were not evaluated, and the functional significance of this variant is currently unknown. In summary, the available evidence is currently insufficient to determine the role of this variant in disease. Therefore, it has been classified as a Variant of Uncertain Significance.

Ambry Genetics
Classification: Uncertain significance for Inborn genetic diseases. Last evaluated: 2025-01-15. Review status: criteria provided, single submitter. Criteria: Ambry Variant Classification Scheme 2023. Collection method: clinical testing. Allele origin: germline.

NM_001242896.3(DEPDC5):c.1568A>G (p.Asp523Gly)

Gene: DEPDC5 (DEP domain containing 5, GATOR1 subcomplex subunit; plus strand). Cytogenetic location: 22q12.3.
Variant type: single nucleotide variant.
Coding change: c.1568A>G on transcript NM_001242896.3 (MANE Select); coding-DNA position 1568, A replaced by G.
Protein change: p.Asp523Gly; replaces aspartic acid 523 with glycine.
Molecular consequence: missense variant. On other transcripts: non-coding transcript variant (5).
Genome position (GRCh38, 1-based): chr22:31,815,114, A>G. VCF-style: chr22-31815114-A-G. GRCh37 (hg19) VCF-style: chr22-32211100-A-G.
Other names: c.1568A>G, p.Asp523Gly (NM_001007188.4, NM_001136029.4, NM_001242897.2 and 7 more transcripts); c.1484A>G, p.Asp495Gly (NM_001369901.1, NM_001369902.1); short protein forms D495G, D523G.
Identifiers: ClinVar variation 3839529 (VCV003839529.2).